The following is an entry in ClinVar:

NM_001366385.1(CARD14):c.1330G>A (p.Asp444Asn)

Gene: CARD14 (caspase recruitment domain family member 14; plus strand). Cytogenetic location: 17q25.3.
Variant type: single nucleotide variant.
Coding change: c.1330G>A on transcript NM_001366385.1 (MANE Select); coding-DNA position 1330, G replaced by A.
Protein change: p.Asp444Asn; replaces aspartic acid 444 with asparagine.
Molecular consequence: missense variant. On other transcripts: non-coding transcript variant (1).
Genome position (GRCh38, 1-based): chr17:80,192,593, G>A. VCF-style: chr17-80192593-G-A. GRCh37 (hg19) VCF-style: chr17-78166392-G-A.
Other names: p.Asp444Asn; c.1330G>A, p.Asp444Asn (NM_024110.4, NM_001257970.1); c.619G>A, p.Asp207Asn (NM_052819.3); short protein forms D444N, D207N.
Identifiers: ClinVar variation 580131 (VCV000580131.10), dbSNP rs774755867, ClinGen allele CA8816759.
Genomic context (GRCh38, chr17:80,192,593, plus strand): 5'-TGTCCACGGGAGAAGCAGCGGCTGGTGCGGATGCATGCCATCTGCCCCAGAGACGACAGC[G>A]ACTGCAGCCTCGTCAGCTCCACAGAGGTACGGCCGCTCCTCCCGCCTCCCTCACTGCCTT-3'
Protein context (NP_001353314.1, residues 434-454): MHAICPRDDS[Asp444Asn]CSLVSSTESQ

ClinVar aggregate classification (germline): Uncertain significance. Review status: criteria provided, multiple submitters, no conflicts (2 of 4 stars). 2 submissions from 2 submitters: Uncertain significance (2). Last evaluated 2023-10-07.

Conditions:
Pityriasis rubra pilaris (PRP). Also called: Pityriasis rubra pilaris--familial type. Identifiers: Orphanet 2897, MedGen C0032027, MONDO:0100017, OMIM 173200, MONDO:0008251.
Psoriasis 2. Identifiers: MedGen C1864497, MONDO:0011269, OMIM 602723.

Allele frequency attached by ClinVar (database versions not stated): TOPMed below 0.00001; ExAC 0.00001; gnomAD 0.00001 and 0.00002; gnomAD exomes 0.00001.
gnomAD v4.1: 23 of 1,613,060 alleles (0.0014%); highest among the groups gnomAD compares: East Asian, 0.022%; no homozygotes.

Submissions (2):

Labcorp Genetics (formerly Invitae), Labcorp
Classification: Uncertain significance for Pityriasis rubra pilaris; Psoriasis 2. Last evaluated: 2023-10-07. Review status: criteria provided, single submitter. Criteria: Invitae Variant Classification Sherloc (09022015). Collection method: clinical testing. Allele origin: germline.
Comment: This sequence change replaces aspartic acid, which is acidic and polar, with asparagine, which is neutral and polar, at codon 444 of the CARD14 protein (p.Asp444Asn). This variant is present in population databases (rs774755867, gnomAD 0.01%). This variant has not been reported in the literature in individuals affected with CARD14-related conditions. ClinVar contains an entry for this variant (Variation ID: 580131). Advanced modeling of protein sequence and biophysical properties (such as structural, functional, and spatial information, amino acid conservation, physicochemical variation, residue mobility, and thermodynamic stability) performed at Invitae indicates that this missense variant is not expected to disrupt CARD14 protein function. In summary, the available evidence is currently insufficient to determine the role of this variant in disease. Therefore, it has been classified as a Variant of Uncertain Significance.

Mayo Clinic Laboratories, Mayo Clinic
Classification: Uncertain significance. Last evaluated: 2022-08-03. Review status: criteria provided, single submitter. Criteria: ACMG Guidelines, 2015. Collection method: clinical testing. Allele origin: germline. Observed: 1 variant allele.
Comment: BP4